The following is an entry in ClinVar:

ClinVar aggregate classification (germline): Uncertain significance (1 of 4 stars; one submission).

Allele frequency attached by ClinVar (database versions not stated): TOPMed 0.00003; gnomAD 0.00004 and 0.00006; gnomAD exomes 0.00007 and 0.00019; 1000 Genomes Project 30x 0.00016; 1000 Genomes Project 0.00020; ExAC 0.00021.
gnomAD v4.1: 121 of 1,612,926 alleles (0.0075%); highest among the groups gnomAD compares: South Asian, 0.088%; 1 homozygote.

Submission:

Labcorp Genetics (formerly Invitae), Labcorp
Classification: Uncertain significance. Last evaluated: 2021-09-01. Review status: criteria provided, single submitter. Criteria: Invitae Variant Classification Sherloc (09022015). Collection method: clinical testing. Allele origin: germline.
Comment: This sequence change replaces alanine with valine at codon 1113 of the ARHGEF18 protein (p.Ala1113Val). The alanine residue is moderately conserved and there is a small physicochemical difference between alanine and valine. This variant is present in population databases (rs536508055, ExAC 0.1%). This variant has not been reported in the literature in individuals affected with ARHGEF18-related conditions. Algorithms developed to predict the effect of missense changes on protein structure and function output the following: SIFT: "Tolerated"; PolyPhen-2: "Benign"; Align-GVGD: "Class C0". The valine amino acid residue is found in multiple mammalian species, which suggests that this missense change does not adversely affect protein function. In summary, the available evidence is currently insufficient to determine the role of this variant in disease. Therefore, it has been classified as a Variant of Uncertain Significance.

NM_001367823.1(ARHGEF18):c.3902C>T (p.Ala1301Val)

Gene: ARHGEF18 (Rho/Rac guanine nucleotide exchange factor 18; plus strand). Cytogenetic location: 19p13.2.
Variant type: single nucleotide variant.
Coding change: c.3902C>T on transcript NM_001367823.1 (MANE Select); coding-DNA position 3902, C replaced by T.
Protein change: p.Ala1301Val; replaces alanine 1301 with valine.
Molecular consequence: missense variant.
Genome position (GRCh38, 1-based): chr19:7,470,018, C>T. VCF-style: chr19-7470018-C-T. GRCh37 (hg19) VCF-style: chr19-7534904-C-T.
Other names: c.3176C>T, p.Ala1059Val (NM_001130955.2); c.2864C>T, p.Ala955Val (NM_001367824.1, NM_015318.4); short protein forms A1059V, A1301V, A955V.
Identifiers: ClinVar variation 1007259 (VCV001007259.6), dbSNP rs536508055, ClinGen allele CA9137279.
Genomic context (GRCh38, chr19:7,470,018, plus strand): 5'-AGAGCACCTCACGGAACCGCCGCTCGCTGAGCCCTATCCTGCCCGGCAGACACAGTCCTG[C>T]GCCCCCACCAGGTGAGCCCCCACCCCCTGACATGAGCCCAGTCCCAGGGCAGCGGGGCTG-3'
Protein context (NP_001354752.1, residues 1291-1311): SPILPGRHSP[Ala1301Val]PPPDPGFPAP